The following is an entry in ClinVar:

ClinVar aggregate classification (germline): Conflicting classifications of pathogenicity. Review status: criteria provided, conflicting classifications (1 of 4 stars). 9 submissions from 7 submitters: Uncertain significance (3); Benign (1); Likely benign (5). Last evaluated 2026-01-14.

Conditions:
Hereditary cancer-predisposing syndrome. Also called: Neoplastic Syndromes, Hereditary; Hereditary Cancer Syndrome; Hereditary neoplastic syndrome; Tumor predisposition. Identifiers: Orphanet 140162, MedGen C0027672, MeSH D009386, MONDO:0015356.
Familial thoracic aortic aneurysm and aortic dissection (TAAD). Also called: Thoracic aortic aneurysms and dissections. Identifiers: Orphanet 91387, MedGen C4707243, MONDO:0019625.
Juvenile polyposis syndrome (JPS). Identifiers: Orphanet 2929, MedGen C0345893, MONDO:0017380, OMIM 174900.
Myhre syndrome (MYHRS). Also called: LARYNGOTRACHEAL STENOSIS, ARTHROPATHY, PROGNATHISM, AND SHORT STATURE; LAPS SYNDROME. Identifiers: Orphanet 2588, MedGen C0796081, MONDO:0007688, OMIM 139210.
Generalized juvenile polyposis/juvenile polyposis coli. Also called: Juvenile polyposis coli. Identifiers: Orphanet 329971, MedGen C1868081, MONDO:0008276.
Juvenile polyposis/hereditary hemorrhagic telangiectasia syndrome (JPHT). Also called: POLYPOSIS, GENERALIZED JUVENILE, WITH PULMONARY ARTERIOVENOUS MALFORMATION; TELANGIECTASIA, HEREDITARY HEMORRHAGIC, WITH JUVENILE POLYPOSIS COLI; Juvenile Polyposis Syndrome / Hereditary Hemorrhagic Telangiectasia (JPS/HHT); JP/HHT SYNDROME; JUVENILE POLYPOSIS WITH HEREDITARY HEMORRHAGIC TELANGIECTASIA. Identifiers: Orphanet 2929, MedGen C1832942, MONDO:0008278, OMIM 175050.

Allele frequency attached by ClinVar (database versions not stated): ExAC 0.00001; gnomAD 0.00001; gnomAD exomes 0.00001; TOPMed 0.00001.
gnomAD v4.1: 22 of 1,611,916 alleles (0.0014%); highest among the groups gnomAD compares: South Asian, 0.014%; no homozygotes.

Submissions (9):

Labcorp Genetics (formerly Invitae), Labcorp
Classification: Likely benign for Juvenile polyposis syndrome. Last evaluated: 2026-01-14. Review status: criteria provided, single submitter. Criteria: Invitae Variant Classification Sherloc (09022015). Collection method: clinical testing. Allele origin: germline.

Myriad Genetics, Inc.
Classification: Benign for Juvenile polyposis/hereditary hemorrhagic telangiectasia syndrome. Last evaluated: 2025-03-20. Review status: criteria provided, single submitter. Criteria: Myriad Autosomal Dominant, Autosomal Recessive and X-Linked Classification Criteria (2023). Collection method: clinical testing. Allele origin: unknown.
Comment: This variant is considered benign. This variant is a silent/synonymous amino acid change and it is not expected to impact splicing.

All of Us Research Program, National Institutes of Health
Classification: Likely benign for Juvenile polyposis/hereditary hemorrhagic telangiectasia syndrome. Last evaluated: 2024-04-25. Review status: criteria provided, single submitter. Criteria: ACMG Guidelines, 2015. Collection method: clinical testing. Allele origin: germline. Inheritance: Autosomal dominant inheritance. Observed: 5 variant alleles, 5 heterozygotes.
Comment: This study involves interpretation of variants in research participants for the purpose of population health screening. Participant phenotype was not available at the time of variant classification. Additional details can be found in publication PMID: 35346344, PMCID: PMC8962531

Color Diagnostics, LLC DBA Color Health
Classification: Likely benign for Hereditary cancer-predisposing syndrome. Last evaluated: 2017-04-30. Review status: criteria provided, single submitter. Criteria: ACMG Guidelines, 2015. Collection method: clinical testing. Allele origin: germline.

Illumina Laboratory Services, Illumina
Classification: Uncertain significance for Juvenile polyposis syndrome. Last evaluated: 2017-04-27. Review status: criteria provided, single submitter. Criteria: ICSL Variant Classification Criteria 13 December 2019. Collection method: clinical testing. Allele origin: germline.
Comment: This variant was observed as part of a predisposition screen in an ostensibly healthy population. A literature search was performed for the gene, cDNA change, and amino acid change (where applicable). Publications were found based on this search. However, the evidence from the literature, in combination with allele frequency data from public databases where available, was not sufficient to rule this variant in or out of causing disease. Therefore, this variant is classified as a variant of unknown significance.

Illumina Laboratory Services, Illumina
Classification: Uncertain significance for Myhre syndrome. Last evaluated: 2017-04-27. Review status: criteria provided, single submitter. Criteria: ICSL Variant Classification Criteria 13 December 2019. Collection method: clinical testing. Allele origin: germline.
Comment: the same text as in the submission from Illumina Laboratory Services, Illumina above.

Illumina Laboratory Services, Illumina
Classification: Uncertain significance for Juvenile polyposis/hereditary hemorrhagic telangiectasia syndrome. Last evaluated: 2017-04-27. Review status: criteria provided, single submitter. Criteria: ICSL Variant Classification Criteria 13 December 2019. Collection method: clinical testing. Allele origin: germline.
Comment: the same text as in the submission from Illumina Laboratory Services, Illumina above.

GeneDx
Classification: Likely benign. Last evaluated: 2016-05-28. Review status: criteria provided, single submitter. Criteria: GeneDx Variant Classification (06012015). Collection method: clinical testing. Allele origin: germline. Affected: yes.
Comment: This variant is considered likely benign or benign based on one or more of the following criteria: it is a conservative change, it occurs at a poorly conserved position in the protein, it is predicted to be benign by multiple in silico algorithms, and/or has population frequency not consistent with disease.

Ambry Genetics
Classification: Likely benign for Hereditary cancer-predisposing syndrome; Familial thoracic aortic aneurysm and aortic dissection. Last evaluated: 2015-03-05. Review status: criteria provided, single submitter. Criteria: Ambry Variant Classification Scheme 2023. Collection method: clinical testing. Allele origin: germline.

Literature cited by the submitters: PubMed 11782434 (cited by Illumina Laboratory Services, Illumina).

NM_005359.6(SMAD4):c.876G>A (p.Pro292=)

Gene: SMAD4 (SMAD family member 4; plus strand). Cytogenetic location: 18q21.2.
Variant type: single nucleotide variant.
Coding change: c.876G>A on transcript NM_005359.6 (MANE Select); coding-DNA position 876, G replaced by A.
Protein change: p.Pro292=; no amino-acid change (proline 292 retained).
Molecular consequence: synonymous variant.
Genome position (GRCh38, 1-based): chr18:51,058,428, G>A. VCF-style: chr18-51058428-G-A. GRCh37 (hg19) VCF-style: chr18-48584798-G-A.
Identifiers: ClinVar variation 378973 (VCV000378973.19), dbSNP rs753358186, ClinGen allele CA8965914.